The following is an entry in ClinVar:

ClinVar aggregate classification (germline): Uncertain significance (1 of 4 stars; one submission).

Conditions:
Familial cold autoinflammatory syndrome 3 (FCAS3). Also called: FAMILIAL ATYPICAL COLD URTICARIA; ANTIBODY DEFICIENCY AND IMMUNE DYSREGULATION, PLCG2-ASSOCIATED. Identifiers: Orphanet 300359, MedGen C3280914, MONDO:0013766, OMIM 614468.

Submission:

Labcorp Genetics (formerly Invitae), Labcorp
Classification: Uncertain significance for Familial cold autoinflammatory syndrome 3. Last evaluated: 2024-04-29. Review status: criteria provided, single submitter. Criteria: Invitae Variant Classification Sherloc (09022015). Collection method: clinical testing. Allele origin: germline.
Comment: This sequence change replaces glutamic acid, which is acidic and polar, with lysine, which is basic and polar, at codon 1234 of the PLCG2 protein (p.Glu1234Lys). This variant is not present in population databases (gnomAD no frequency). This variant has not been reported in the literature in individuals affected with PLCG2-related conditions. An algorithm developed to predict the effect of missense changes on protein structure and function (PolyPhen-2) suggests that this variant is likely to be tolerated. In summary, the available evidence is currently insufficient to determine the role of this variant in disease. Therefore, it has been classified as a Variant of Uncertain Significance.

NM_002661.5(PLCG2):c.3700G>A (p.Glu1234Lys)

Gene: PLCG2 (phospholipase C gamma 2; plus strand). Cytogenetic location: 16q23.3.
Variant type: single nucleotide variant.
Coding change: c.3700G>A on transcript NM_002661.5 (MANE Select); coding-DNA position 3700, G replaced by A.
Protein change: p.Glu1234Lys; replaces glutamic acid 1234 with lysine.
Molecular consequence: missense variant.
Genome position (GRCh38, 1-based): chr16:81,956,824, G>A. VCF-style: chr16-81956824-G-A. GRCh37 (hg19) VCF-style: chr16-81990429-G-A.
Other names: c.3700G>A, p.Glu1234Lys (NM_001425749.1, NM_001425750.1, NM_001425751.1); short protein forms E1234K.
Identifiers: ClinVar variation 3651591 (VCV003651591.2).